The following is an entry in ClinVar:

NM_005257.6(GATA6):c.1343A>C (p.His448Pro)

Gene: GATA6 (GATA binding protein 6; plus strand). Cytogenetic location: 18q11.2.
Variant type: single nucleotide variant.
Coding change: c.1343A>C on transcript NM_005257.6 (MANE Select); coding-DNA position 1343, A replaced by C.
Protein change: p.His448Pro; replaces histidine 448 with proline.
Molecular consequence: missense variant.
Genome position (GRCh38, 1-based): chr18:22,181,493, A>C. VCF-style: chr18-22181493-A-C. GRCh37 (hg19) VCF-style: chr18-19761454-A-C.
Other names: short protein forms H448P.
Identifiers: ClinVar variation 1348627 (VCV001348627.6), dbSNP rs1380534258, ClinGen allele CA401802353.
Genomic context (GRCh38, chr18:22,181,493, plus strand): 5'-TGTTCTTGTACTGTTTCTAGCCTTCATCACGGCGGCTTGGATTGTCCTGTGCCAACTGTC[A>C]CACCACAACTACCACCTTATGGCGCAGAAACGCCGAGGGTGAACCCGTGTGCAATGCTTG-3'
Protein context (NP_005248.2, residues 438-458): RRLGLSCANC[His448Pro]TTTTTLWRRN

ClinVar aggregate classification (germline): Uncertain significance (1 of 4 stars; one submission).

Conditions:
Atrioventricular septal defect 5 (AVSD5). Identifiers: MedGen C3280939, MONDO:0013769, OMIM 614474.

Submission:

Labcorp Genetics (formerly Invitae), Labcorp
Classification: Uncertain significance for Atrioventricular septal defect 5. Last evaluated: 2021-11-02. Review status: criteria provided, single submitter. Criteria: Invitae Variant Classification Sherloc (09022015). Collection method: clinical testing. Allele origin: germline.
Comment: In summary, the available evidence is currently insufficient to determine the role of this variant in disease. Therefore, it has been classified as a Variant of Uncertain Significance. Algorithms developed to predict the effect of missense changes on protein structure and function are either unavailable or do not agree on the potential impact of this missense change (SIFT: "Tolerated"; PolyPhen-2: "Probably Damaging"; Align-GVGD: "Class C0"). This variant has not been reported in the literature in individuals affected with GATA6-related conditions. This variant is not present in population databases (gnomAD no frequency). This sequence change replaces histidine, which is basic and polar, with proline, which is neutral and non-polar, at codon 448 of the GATA6 protein (p.His448Pro).